The following is an entry in ClinVar:

ClinVar aggregate classification (germline): Uncertain significance. Review status: criteria provided, multiple submitters, no conflicts (2 of 4 stars). 2 submissions from 2 submitters: Uncertain significance (2). Last evaluated 2026-06-02.

Conditions:
Inborn genetic diseases. Identifiers: MedGen C0950123, MeSH D030342.

gnomAD v4.1: 1 of 1,614,028 alleles (0.000062%); highest among the groups gnomAD compares: Non-Finnish European, 0.000085%; no homozygotes.

Submissions (2):

Ambry Genetics
Classification: Uncertain significance for Inborn genetic diseases. Last evaluated: 2026-06-02. Review status: criteria provided, single submitter. Criteria: Ambry Variant Classification Scheme 2023. Collection method: clinical testing. Allele origin: germline.
Comment: The p.P204L variant (also known as c.611C>T), located in coding exon 7 of the DDX41 gene, results from a C to T substitution at nucleotide position 611. The proline at codon 204 is replaced by leucine, an amino acid with similar properties. This amino acid position is highly conserved in available vertebrate species. In addition, the in silico prediction for this alteration is inconclusive. Based on the available evidence, the clinical significance of this variant remains unclear.

Labcorp Genetics (formerly Invitae), Labcorp
Classification: Uncertain significance. Last evaluated: 2025-12-15. Review status: criteria provided, single submitter. Criteria: Invitae Variant Classification Sherloc (09022015). Collection method: clinical testing. Allele origin: germline.
Comment: This sequence change replaces proline, which is neutral and non-polar, with leucine, which is neutral and non-polar, at codon 204 of the DDX41 protein (p.Pro204Leu). This variant is not present in population databases (gnomAD no frequency). This variant has not been reported in the literature in individuals affected with DDX41-related conditions. An algorithm developed to predict the effect of missense changes on protein structure and function (PolyPhen-2) suggests that this variant is likely to be tolerated. In summary, the available evidence is currently insufficient to determine the role of this variant in disease. Therefore, it has been classified as a Variant of Uncertain Significance.

NM_016222.4(DDX41):c.611C>T (p.Pro204Leu)

Gene: DDX41 (DEAD-box helicase 41; minus strand). Cytogenetic location: 5q35.3.
Variant type: single nucleotide variant.
Coding change: c.611C>T on transcript NM_016222.4 (MANE Select); coding-DNA position 611, C replaced by T.
Protein change: p.Pro204Leu; replaces proline 204 with leucine.
Molecular consequence: missense variant.
Genome position (GRCh38, 1-based): chr5:177,515,219, G>A on the plus strand (C>T on the coding strand, the complement: DDX41 is on the minus strand). VCF-style: chr5-177515219-G-A. GRCh37 (hg19) VCF-style: chr5-176942220-G-A.
Other names: c.233C>T, p.Pro78Leu (NM_001321732.2, NM_001321830.2); c.611C>T (NM_016222.2); short protein forms P204L, P78L.
Identifiers: ClinVar variation 4812025 (VCV004812025.2).
Genomic context (GRCh38, chr5:177,515,219, plus strand): 5'-GACCCCAGGTCCACAGTCCACACTCACATGGTGGGGATGCCCTGGATCTGAATGGGTGTT[G>A]GGTGGTGAATGCCTTTCTTCTTCAGGCCTCTCAGGATGGCTATGAAAACCAACCGACATC-3'
Protein context (NP_057306.2, residues 194-214): RGLKKKGIHH[Pro204Leu]TPIQIQGIPT